The following is an entry in ClinVar:

NM_024529.5(CDC73):c.307+2T>G

Gene: CDC73 (cell division cycle 73; plus strand). Cytogenetic location: 1q31.2.
Variant type: single nucleotide variant.
Coding change: c.307+2T>G on transcript NM_024529.5 (MANE Select); the canonical splice donor site of the intron after coding-DNA position 307, T replaced by G.
Molecular consequence: splice donor variant.
Genome position (GRCh38, 1-based): chr1:193,130,245, T>G. VCF-style: chr1-193130245-T-G. GRCh37 (hg19) VCF-style: chr1-193099375-T-G.
Identifiers: ClinVar variation 3725722 (VCV003725722.2).

ClinVar aggregate classification (germline): Likely pathogenic (1 of 4 stars; one submission).

Conditions:
Parathyroid carcinoma (PRTC). Also called: Parathyroid gland carcinoma; CDC73-Related Parathyroid Carcinoma. Identifiers: Orphanet 143, MedGen C0687150, MONDO:0012004, OMIM 608266, HP:0006780.

Submission:

Labcorp Genetics (formerly Invitae), Labcorp
Classification: Likely pathogenic for Parathyroid carcinoma. Last evaluated: 2024-11-21. Review status: criteria provided, single submitter. Criteria: Invitae Variant Classification Sherloc (09022015). Collection method: clinical testing. Allele origin: germline.
Comment: This sequence change affects a donor splice site in intron 3 of the CDC73 gene. RNA analysis indicates that disruption of this splice site induces altered splicing and may result in an absent or altered protein product. This variant is not present in population databases (gnomAD no frequency). Disruption of this splice site has been observed in individual(s) with CDC73-related conditions (PMID: 23029104, 24716902, 32590342). Studies have shown that disruption of this splice site results in skipping of exon 3, and produces a non-functional protein and/or introduces a premature termination codon (PMID: 24716902). In summary, the currently available evidence indicates that the variant is pathogenic, but additional data are needed to prove that conclusively. Therefore, this variant has been classified as Likely Pathogenic.

Literature cited by the submitters: PubMed 23029104; PubMed 24716902; PubMed 32590342.